The following is an entry in ClinVar:

ClinVar aggregate classification (germline): Uncertain significance. Review status: criteria provided, multiple submitters, no conflicts (2 of 4 stars). 5 submissions from 5 submitters: Uncertain significance (5). Last evaluated 2025-11-05.

Conditions:
Cardiovascular phenotype. Identifiers: MedGen CN230736.
Dilated cardiomyopathy 1W (CMD1W). Identifiers: Orphanet 154, MedGen C1969639, MONDO:0012667, OMIM 611407.
Hypertrophic cardiomyopathy 15. Identifiers: MedGen C2750459, MONDO:0013200, OMIM 613255.

Allele frequency attached by ClinVar (database versions not stated): gnomAD 0.00001; gnomAD exomes 0.00001 and 0.00002; TOPMed 0.00001; ExAC 0.00002.
gnomAD v4.1: 14 of 1,613,958 alleles (0.00087%); highest among the groups gnomAD compares: Middle Eastern, 0.033%; no homozygotes.

Submissions (5):

Labcorp Genetics (formerly Invitae), Labcorp
Classification: Uncertain significance for Dilated cardiomyopathy 1W. Last evaluated: 2025-11-05. Review status: criteria provided, single submitter. Criteria: Invitae Variant Classification Sherloc (09022015). Collection method: clinical testing. Allele origin: germline.
Comment: This sequence change replaces arginine, which is basic and polar, with cysteine, which is neutral and slightly polar, at codon 318 of the VCL protein (p.Arg318Cys). This variant is present in population databases (rs397517247, gnomAD 0.006%). This missense change has been observed in individual(s) with dilated cardiomyopathy (PMID: 27532257). ClinVar contains an entry for this variant (Variation ID: 45623). An algorithm developed to predict the effect of missense changes on protein structure and function (PolyPhen-2) suggests that this variant is likely to be disruptive. In summary, the available evidence is currently insufficient to determine the role of this variant in disease. Therefore, it has been classified as a Variant of Uncertain Significance.

Fulgent Genetics
Classification: Uncertain significance for Dilated cardiomyopathy 1W; Hypertrophic cardiomyopathy 15. Last evaluated: 2024-06-10. Review status: criteria provided, single submitter. Criteria: ACMG Guidelines, 2015. Collection method: clinical testing. Allele origin: germline.

Ambry Genetics
Classification: Uncertain significance for Cardiovascular phenotype. Last evaluated: 2023-06-29. Review status: criteria provided, single submitter. Criteria: Ambry General Variant Classification Scheme_2022. Collection method: clinical testing. Allele origin: germline.
Comment: The p.R318C variant (also known as c.952C>T), located in coding exon 8 of the VCL gene, results from a C to T substitution at nucleotide position 952. The arginine at codon 318 is replaced by cysteine, an amino acid with highly dissimilar properties. This amino acid position is highly conserved in available vertebrate species. In addition, this alteration is predicted to be tolerated by in silico analysis. The evidence for this gene-disease relationship is limited; therefore, the clinical significance of this alteration is unclear.

Blueprint Genetics
Classification: Uncertain significance. Last evaluated: 2023-06-22. Review status: criteria provided, single submitter. Criteria: ACMG Guidelines, 2015. Collection method: clinical testing. Allele origin: germline.

Laboratory for Molecular Medicine, Mass General Brigham Personalized Medicine
Classification: Uncertain significance. Last evaluated: 2010-07-02. Review status: criteria provided, single submitter. Criteria: LMM Criteria. Collection method: clinical testing. Allele origin: germline. Observed: 2 variant alleles.
Comment: The Arg318Cys variant has not been reported in the literature. Arginine (Arg) at position 318 is conserved in some mammals but not in some distant species (the fruit fly and the worm carry a serine and an alanine at this position, respectiv ely), reducing the likelihood that the change is pathogenic. However, in the con text of another, likely pathogenic variant, we are unable to assess the pathogen icity of this variant in isolation.

Literature cited by the submitters: PubMed 27532257 (cited by Labcorp Genetics (formerly Invitae), Labcorp).

NM_014000.3(VCL):c.952C>T (p.Arg318Cys)

Gene: VCL (vinculin; plus strand). Cytogenetic location: 10q22.2.
Variant type: single nucleotide variant.
Coding change: c.952C>T on transcript NM_014000.3 (MANE Select); coding-DNA position 952, C replaced by T.
Protein change: p.Arg318Cys; replaces arginine 318 with cysteine.
Molecular consequence: missense variant.
Genome position (GRCh38, 1-based): chr10:74,083,443, C>T. VCF-style: chr10-74083443-C-T. GRCh37 (hg19) VCF-style: chr10-75843201-C-T.
Other names: c.952C>T, p.Arg318Cys (NM_003373.4); short protein forms R318C.
Identifiers: ClinVar variation 45623 (VCV000045623.18), dbSNP rs397517247, ClinGen allele CA136817.